The following is an entry in ClinVar:

ClinVar aggregate classification (germline): Uncertain significance (1 of 4 stars; one submission).

Allele frequency attached by ClinVar (database versions not stated): TOPMed below 0.00001.

Submission:

Labcorp Genetics (formerly Invitae), Labcorp
Classification: Uncertain significance. Last evaluated: 2021-09-09. Review status: criteria provided, single submitter. Criteria: Invitae Variant Classification Sherloc (09022015). Collection method: clinical testing. Allele origin: germline.
Comment: This sequence change replaces alanine with threonine at codon 113 of the RIMS1 protein (p.Ala113Thr). The alanine residue is highly conserved and there is a small physicochemical difference between alanine and threonine. This variant is not present in population databases (ExAC no frequency). This variant has not been reported in the literature in individuals affected with RIMS1-related conditions. Algorithms developed to predict the effect of missense changes on protein structure and function are either unavailable or do not agree on the potential impact of this missense change (SIFT: "Deleterious"; PolyPhen-2: "Probably Damaging"; Align-GVGD: "Class C0"). In summary, the available evidence is currently insufficient to determine the role of this variant in disease. Therefore, it has been classified as a Variant of Uncertain Significance.

NM_014989.7(RIMS1):c.337G>A (p.Ala113Thr)

Gene: RIMS1 (regulating synaptic membrane exocytosis 1; plus strand). Cytogenetic location: 6q13.
Variant type: single nucleotide variant.
Coding change: c.337G>A on transcript NM_014989.7 (MANE Select); coding-DNA position 337, G replaced by A.
Protein change: p.Ala113Thr; replaces alanine 113 with threonine.
Molecular consequence: missense variant.
Genome position (GRCh38, 1-based): chr6:72,097,040, G>A. VCF-style: chr6-72097040-G-A. GRCh37 (hg19) VCF-style: chr6-72806743-G-A.
Other names: c.334G>A, p.Ala112Thr (NM_001350411.1); c.256G>A, p.Ala86Thr (NM_001350412.1); c.337G>A, p.Ala113Thr (NM_001350413.1); short protein forms A112T, A113T, A86T.
Identifiers: ClinVar variation 1415442 (VCV001415442.6), dbSNP rs2031973314, ClinGen allele CA364822596.